The following is an entry in ClinVar:

ClinVar aggregate classification (germline): Likely pathogenic (1 of 4 stars; one submission).

Submission:

Labcorp Genetics (formerly Invitae), Labcorp
Classification: Likely pathogenic. Last evaluated: 2023-08-27. Review status: criteria provided, single submitter. Criteria: Invitae Variant Classification Sherloc (09022015). Collection method: clinical testing. Allele origin: germline.
Comment: This sequence change affects a donor splice site in intron 5 of the CHD8 gene. It is expected to disrupt RNA splicing. Variants that disrupt the donor or acceptor splice site typically lead to a loss of protein function (PMID: 16199547), and loss-of-function variants in CHD8 are known to be pathogenic (PMID: 24998929, 26789910). This variant is not present in population databases (gnomAD no frequency). This variant has not been reported in the literature in individuals affected with CHD8-related conditions. Algorithms developed to predict the effect of sequence changes on RNA splicing suggest that this variant may disrupt the consensus splice site. In summary, the currently available evidence indicates that the variant is pathogenic, but additional data are needed to prove that conclusively. Therefore, this variant has been classified as Likely Pathogenic.

Literature cited by the submitters: PubMed 16199547; PubMed 24998929; PubMed 26789910.

NM_001170629.2(CHD8):c.1899+2T>G

Gene: CHD8 (chromodomain helicase DNA binding protein 8; minus strand). Cytogenetic location: 14q11.2.
Variant type: single nucleotide variant.
Coding change: c.1899+2T>G on transcript NM_001170629.2 (MANE Select); the canonical splice donor site of the intron after coding-DNA position 1899, T replaced by G.
Molecular consequence: splice donor variant.
Genome position (GRCh38, 1-based): chr14:21,415,723, A>C on the plus strand (T>G on the coding strand, the complement: CHD8 is on the minus strand). VCF-style: chr14-21415723-A-C. GRCh37 (hg19) VCF-style: chr14-21883882-A-C.
Other names: c.1062+2T>G (NM_020920.4).
Identifiers: ClinVar variation 2735895 (VCV002735895.3), dbSNP rs2501953922, ClinGen allele CA388879378.